The following is an entry in ClinVar:

ClinVar aggregate classification (germline): Pathogenic (1 of 4 stars; one submission).

Submission:

Labcorp Genetics (formerly Invitae), Labcorp
Classification: Pathogenic. Last evaluated: 2024-11-11. Review status: criteria provided, single submitter. Criteria: Invitae Variant Classification Sherloc (09022015). Collection method: clinical testing. Allele origin: germline.
Comment: This sequence change creates a premature translational stop signal (p.Pro1011Alafs*18) in the COL18A1 gene. It is expected to result in an absent or disrupted protein product. Loss-of-function variants in COL18A1 are known to be pathogenic (PMID: 12415512, 25456301). This variant is present in population databases (no rsID available, gnomAD 0.007%). This variant has not been reported in the literature in individuals affected with COL18A1-related conditions. ClinVar contains an entry for this variant (Variation ID: 2117212). For these reasons, this variant has been classified as Pathogenic.

Literature cited by the submitters: PubMed 12415512; PubMed 25456301.

NM_001379500.1(COL18A1):c.3037_3038dup (p.Pro1014fs)

Genes: COL18A1 (collagen type XVIII alpha 1 chain; plus strand), SLC19A1 (solute carrier family 19 member 1; minus strand). Cytogenetic location: 21q22.3.
Variant type: Duplication.
Coding change: c.3037_3038dup on transcript NM_001379500.1 (MANE Select); coding-DNA positions 3037 to 3038, 2 bases duplicated (GG; older notation c.3037_3038dupGG).
Protein change: p.Pro1014fs; shifts the reading frame from proline 1014.
Molecular consequence: frameshift variant.
Genome position (GRCh38, 1-based): chr21:45,505,381-45,505,382, GG duplicated; duplicating any 2 consecutive bases within chr21:45,505,380-45,505,382 gives the same sequence; the c. name uses the placement nearest the transcript's 3' end. VCF-style (leftmost placement, unchanged base first): chr21-45505379-C-CGG. GRCh37 (hg19) VCF-style: chr21-46925293-C-CGG.
Other names: c.3568_3569dup, p.Pro1191fs (NM_030582.4); c.4273_4274dup, p.Pro1426fs (NM_130444.3); short protein forms P1426fs, P1014fs, P1191fs.
Identifiers: ClinVar variation 2117212 (VCV002117212.4), dbSNP rs1285121531, ClinGen allele CA638168052.
Genomic context (GRCh38, chr21:45,505,379, plus strand): 5'-GTGTGGCTTCGTGTTCCCACCTTGGTTTCTCTCCTGCAGCTATCAGCGTTCCCGGCCCTC[C>CGG]GGGCCCCCCTGGGCCCCCTGGGCCCCCTGGAACCATGGGCGCCTCCTCAGGGGTAAGTGT-3'